The following is an entry in ClinVar:

ClinVar aggregate classification (germline): Uncertain significance. Review status: criteria provided, multiple submitters, no conflicts (2 of 4 stars). 2 submissions from 2 submitters: Uncertain significance (2). Last evaluated 2025-09-18.

Submissions (2):

Labcorp Genetics (formerly Invitae), Labcorp
Classification: Uncertain significance. Last evaluated: 2025-09-18. Review status: criteria provided, single submitter. Criteria: Invitae Variant Classification Sherloc (09022015). Collection method: clinical testing. Allele origin: germline.
Comment: This sequence change replaces aspartic acid, which is acidic and polar, with glutamic acid, which is acidic and polar, at codon 651 of the NFKB1 protein (p.Asp651Glu). This variant is not present in population databases (gnomAD no frequency). This variant has not been reported in the literature in individuals affected with NFKB1-related conditions. An algorithm developed to predict the effect of missense changes on protein structure and function outputs the following: PolyPhen-2: "Benign". The glutamic acid amino acid residue is found in multiple mammalian species, which suggests that this missense change does not adversely affect protein function. In summary, the available evidence is currently insufficient to determine the role of this variant in disease. Therefore, it has been classified as a Variant of Uncertain Significance.

GeneDx
Classification: Uncertain significance. Last evaluated: 2025-04-17. Review status: criteria provided, single submitter. Criteria: GeneDx Variant Classification Process June 2021. Collection method: clinical testing. Allele origin: germline. Affected: yes.
Comment: Not observed at significant frequency in large population cohorts (gnomAD); In silico analysis indicates that this missense variant does not alter protein structure/function; Has not been previously published as pathogenic or benign to our knowledge

NM_003998.4(NFKB1):c.1953C>A (p.Asp651Glu)

Gene: NFKB1 (nuclear factor kappa B subunit 1; plus strand). Cytogenetic location: 4q24.
Variant type: single nucleotide variant.
Coding change: c.1953C>A on transcript NM_003998.4 (MANE Select); coding-DNA position 1953, C replaced by A.
Protein change: p.Asp651Glu; replaces aspartic acid 651 with glutamic acid.
Molecular consequence: missense variant.
Genome position (GRCh38, 1-based): chr4:102,606,696, C>A. VCF-style: chr4-102606696-C-A. GRCh37 (hg19) VCF-style: chr4-103527853-C-A.
Other names: c.1950C>A, p.Asp650Glu (NM_001165412.2, NM_001319226.2, NM_001382627.1); c.1953C>A, p.Asp651Glu (NM_001382625.1, NM_001382626.1); c.1911C>A, p.Asp637Glu (NM_001382628.1); short protein forms D637E, D650E, D651E.
Identifiers: ClinVar variation 4282307 (VCV004282307.2).